The following is an entry in ClinVar:

ClinVar aggregate classification (germline): Conflicting classifications of pathogenicity. Review status: criteria provided, conflicting classifications (1 of 4 stars). 9 submissions from 9 submitters: Uncertain significance (4); Likely benign (5). Last evaluated 2026-01-12.

Conditions:
ADGRV1-related disorder. Also called: ADGRV1-related condition; ADGRV1-related disorders.
Febrile seizures, familial, 4 (FEB4). Also called: CONVULSIONS, FAMILIAL FEBRILE, 4. Identifiers: MedGen C1858493, MONDO:0011443, OMIM 604352.
Usher syndrome type 2C. Also called: Usher syndrome, type 2B; USHER SYNDROME, TYPE IIC. Identifiers: Orphanet 231178, Orphanet 886, MedGen C2931213, MONDO:0011558, OMIM 605472.

Allele frequency attached by ClinVar (database versions not stated): gnomAD exomes 0.00007 and 0.00016; 1000 Genomes Project 30x 0.00016; 1000 Genomes Project 0.00020; ExAC 0.00022; gnomAD 0.00074 and 0.00083; TOPMed 0.00087; ESP Exome Variant Server 0.00102.
gnomAD v4.1: 221 of 1,593,350 alleles (0.014%); highest among the groups gnomAD compares: African/African-American, 0.27%; 1 homozygote.

Submissions (9):

Labcorp Genetics (formerly Invitae), Labcorp
Classification: Likely benign. Last evaluated: 2026-01-12. Review status: criteria provided, single submitter. Criteria: Invitae Variant Classification Sherloc (09022015). Collection method: clinical testing. Allele origin: germline.

Blueprint Genetics
Classification: Likely benign. Last evaluated: 2024-11-26. Review status: criteria provided, single submitter. Criteria: ACMG Guidelines, 2015. Collection method: clinical testing. Allele origin: germline.

PreventionGenetics, part of Exact Sciences
Classification: Likely benign for ADGRV1-related condition. Last evaluated: 2024-10-29. Review status: criteria provided, single submitter. Criteria: ACMG Guidelines, 2015. Collection method: clinical testing. Allele origin: germline.
Comment: This variant is classified as likely benign based on ACMG/AMP sequence variant interpretation guidelines (Richards et al. 2015 PMID: 25741868, with internal and published modifications).

New York Genome Center
Classification: Uncertain significance for Febrile seizures, familial, 4. Last evaluated: 2021-12-20. Review status: criteria provided, single submitter. Criteria: NYGC Assertion Criteria 2020. Collection method: clinical testing. Allele origin: germline. Observed: 1 heterozygote. Study: CSER-NYCKidSeq.

GeneDx
Classification: Likely benign. Last evaluated: 2020-11-09. Review status: criteria provided, single submitter. Criteria: GeneDx Variant Classification Process June 2021. Collection method: clinical testing. Allele origin: germline. Affected: yes.

Eurofins Ntd Llc (ga)
Classification: Uncertain significance. Last evaluated: 2018-05-15. Review status: criteria provided, single submitter. Criteria: EGL ClinVar v180209 classification definitions. Collection method: clinical testing. Allele origin: germline. Observed: 4 variant alleles, 4 heterozygotes.

Illumina Laboratory Services, Illumina
Classification: Uncertain significance for Usher syndrome type 2C. Last evaluated: 2018-01-12. Review status: criteria provided, single submitter. Criteria: ICSL Variant Classification Criteria 13 December 2019. Collection method: clinical testing. Allele origin: germline.

Genetic Services Laboratory, University of Chicago
Classification: Uncertain significance for Febrile seizures, familial, 4. Last evaluated: 2013-10-09. Review status: criteria provided, single submitter. Criteria: ACMG Guidelines, 2007. Collection method: clinical testing. Allele origin: germline. Inheritance: Autosomal dominant inheritance.

Laboratory for Molecular Medicine, Mass General Brigham Personalized Medicine
Classification: Likely benign. Last evaluated: 2012-04-30. Review status: criteria provided, single submitter. Criteria: LMM Criteria. Collection method: clinical testing. Allele origin: germline. Observed: 1 variant allele.
Comment: Leu619Val in Exon 10 of GPR98: This variant is not expected to have clinical sig nificance because it has been identified in 0.4% (13/2896) of African American c hromosomes from a broad population by the NHLBI Exome Sequencing Project.

NM_032119.4(ADGRV1):c.1855T>G (p.Leu619Val)

Gene: ADGRV1 (adhesion G protein-coupled receptor V1; plus strand). Cytogenetic location: 5q14.3.
Variant type: single nucleotide variant.
Coding change: c.1855T>G on transcript NM_032119.4 (MANE Select); coding-DNA position 1855, T replaced by G.
Protein change: p.Leu619Val; replaces leucine 619 with valine.
Molecular consequence: missense variant. On other transcripts: non-coding transcript variant (1).
Genome position (GRCh38, 1-based): chr5:90,635,129, T>G. VCF-style: chr5-90635129-T-G. GRCh37 (hg19) VCF-style: chr5-89930946-T-G.
Other names: short protein forms L619V.
Identifiers: ClinVar variation 158649 (VCV000158649.33), dbSNP rs202064612, ClinGen allele CA182165.